The following is an entry in ClinVar:

NM_001211.6(BUB1B):c.1293G>T (p.Glu431Asp)

Gene: BUB1B (BUB1 mitotic checkpoint serine/threonine kinase B; plus strand). Cytogenetic location: 15q15.1.
Variant type: single nucleotide variant.
Coding change: c.1293G>T on transcript NM_001211.6 (MANE Select); coding-DNA position 1293, G replaced by T.
Protein change: p.Glu431Asp; replaces glutamic acid 431 with aspartic acid.
Molecular consequence: missense variant.
Genome position (GRCh38, 1-based): chr15:40,199,619, G>T. VCF-style: chr15-40199619-G-T. GRCh37 (hg19) VCF-style: chr15-40491820-G-T.
Other names: short protein forms E431D.
Identifiers: ClinVar variation 3993674 (VCV003993674.1).

ClinVar aggregate classification (germline): Uncertain significance (1 of 4 stars; one submission).

Conditions:
Inborn genetic diseases. Identifiers: MedGen C0950123, MeSH D030342.

Submission:

Ambry Genetics
Classification: Uncertain significance for Inborn genetic diseases. Last evaluated: 2025-03-19. Review status: criteria provided, single submitter. Criteria: Ambry Variant Classification Scheme 2023. Collection method: clinical testing. Allele origin: germline.
Comment: The p.E431D variant (also known as c.1293G>T), located in coding exon 10 of the BUB1B gene, results from a G to T substitution at nucleotide position 1293. The glutamic acid at codon 431 is replaced by aspartic acid, an amino acid with highly similar properties. This amino acid position is conserved. In addition, this alteration is predicted to be tolerated by in silico analysis. Based on the available evidence, the clinical significance of this variant remains unclear.